The following is an entry in ClinVar:

NM_004463.3(FGD1):c.2268C>A (p.Cys756Ter)

Gene: FGD1 (FYVE, RhoGEF and PH domain containing 1; minus strand). Cytogenetic location: Xp11.22.
Variant type: single nucleotide variant.
Coding change: c.2268C>A on transcript NM_004463.3 (MANE Select); coding-DNA position 2268, C replaced by A.
Protein change: p.Cys756Ter; replaces cysteine 756 with a stop codon.
Molecular consequence: nonsense.
Genome position (GRCh38, 1-based): chrX:54,449,149, G>T on the plus strand (C>A on the coding strand, the complement: FGD1 is on the minus strand). VCF-style: chrX-54449149-G-T. GRCh37 (hg19) VCF-style: chrX-54475582-G-T.
Other names: short protein forms C756*.
Identifiers: ClinVar variation 3066275 (VCV003066275.1), dbSNP rs61734178, ClinGen allele CA413359097.

ClinVar aggregate classification (germline): Likely pathogenic (1 of 4 stars; one submission).

Conditions:
Aarskog syndrome (AAS). Also called: Aarskog Scott syndrome; Aarskog disease; Aarskog-Scott syndrome, X-linked; FGD1-Related Faciogenital Dysplasia (Aarskog-Scott Syndrome); FGDY. Identifiers: Orphanet 915, MedGen C0175701, MONDO:0010589, OMIM 305400.

Submission:

MVZ Medizinische Genetik Mainz
Classification: Likely pathogenic for Aarskog syndrome. Last evaluated: 2023-09-27. Review status: criteria provided, single submitter. Criteria: UK Practice Guidelines For Variant Classification V4 01 2020. Collection method: clinical testing. Allele origin: germline. Inheritance: X-linked dominant inheritance. Affected: yes. Observed: 1 variant allele.
Comment: ACMG Criteria: PVS1,PM2_SUP